The following is an entry in ClinVar:

NM_001159699.2(FHL1):c.856C>T (p.Gln286Ter)

Gene: FHL1 (four and a half LIM domains 1; plus strand). Cytogenetic location: Xq26.3.
Variant type: single nucleotide variant.
Coding change: c.856C>T on transcript NM_001159699.2 (MANE Select); coding-DNA position 856, C replaced by T.
Protein change: p.Gln286Ter; replaces glutamine 286 with a stop codon.
Molecular consequence: nonsense. On other transcripts: 3 prime UTR variant (6), non-coding transcript variant (1).
Genome position (GRCh38, 1-based): chrX:136,209,990, C>T. VCF-style: chrX-136209990-C-T. GRCh37 (hg19) VCF-style: chrX-135292149-C-T.
Other names: c.808C>T, p.Gln270Ter (NM_001159700.2, NM_001159704.1, NM_001167819.1 and 4 more transcripts); c.895C>T, p.Gln299Ter (NM_001159701.2); c.*36C>T (NM_001159702.3, NM_001159703.2, NM_001330659.2 and 3 more transcripts); short protein forms Q286*, Q299*, Q270*.
Identifiers: ClinVar variation 2910490 (VCV002910490.4), dbSNP rs747922027, ClinGen allele CA414609887.

ClinVar aggregate classification (germline): Pathogenic/Likely pathogenic. Review status: criteria provided, multiple submitters, no conflicts (2 of 4 stars). 2 submissions from 2 submitters: Pathogenic (1); Likely pathogenic (1). Last evaluated 2026-06-09.

Conditions:
Hypertrophic cardiomyopathy. Also called: HYPERTROPHIC MYOCARDIOPATHY. Identifiers: Orphanet 217569, MedGen C0007194, MeSH D002312, MONDO:0005045, HP:0001639.
X-linked myopathy with postural muscle atrophy. Also called: FHL1-Related Emery-Dreifuss Muscular Dystrophy, X-Linked. Identifiers: Orphanet 178461, MedGen C2678055, MONDO:0010401, OMIM 300696.

Submissions (2):

MVZ Martinsried, Medicover Genetics
Classification: Likely pathogenic for Hypertrophic cardiomyopathy. Last evaluated: 2026-06-09. Review status: criteria provided, single submitter. Criteria: ClinGen Variant Curation SOP V3.2 + Classification Guidance July2025. Collection method: clinical testing. Allele origin: unknown. Affected: yes. Observed: 1 hemizygote.

Labcorp Genetics (formerly Invitae), Labcorp
Classification: Pathogenic for X-linked myopathy with postural muscle atrophy. Last evaluated: 2024-05-26. Review status: criteria provided, single submitter. Criteria: Invitae Variant Classification Sherloc (09022015). Collection method: clinical testing. Allele origin: germline.
Comment: This sequence change creates a premature translational stop signal (p.Gln270*) in the FHL1 gene. While this is not anticipated to result in nonsense mediated decay, it is expected to disrupt the last 11 amino acid(s) of the FHL1 protein. This variant is not present in population databases (gnomAD no frequency). This premature translational stop signal has been observed in individual(s) with hypertrophic cardiomyopathy (PMID: 29661763). Algorithms developed to predict the effect of sequence changes on RNA splicing suggest that this variant may create or strengthen a splice site. This variant disrupts a region of the FHL1 protein in which other variant(s) (p.Cys276Tyr) have been determined to be pathogenic (PMID: 19716112, 22523091, 24634512). This suggests that this is a clinically significant region of the protein, and that variants that disrupt it are likely to be disease-causing. For these reasons, this variant has been classified as Pathogenic.

Literature cited by the submitters: PubMed 29661763 (cited by Labcorp Genetics (formerly Invitae), Labcorp); PubMed 19716112 (cited by Labcorp Genetics (formerly Invitae), Labcorp); PubMed 22523091 (cited by Labcorp Genetics (formerly Invitae), Labcorp); PubMed 24634512 (cited by Labcorp Genetics (formerly Invitae), Labcorp).